The following is an entry in ClinVar:

ClinVar aggregate classification (germline): Uncertain significance (1 of 4 stars; one submission).

Conditions:
Dystonia 12 (DYT12). Also called: Rapid-Onset Dystonia-Parkinsonism (RDP); DYT-ATP1A3. Identifiers: Orphanet 71517, MedGen C1868681, MONDO:0007496, OMIM 128235.

Submission:

Labcorp Genetics (formerly Invitae), Labcorp
Classification: Uncertain significance for Dystonia 12. Last evaluated: 2024-05-22. Review status: criteria provided, single submitter. Criteria: Invitae Variant Classification Sherloc (09022015). Collection method: clinical testing. Allele origin: germline.
Comment: This sequence change replaces asparagine, which is neutral and polar, with isoleucine, which is neutral and non-polar, at codon 345 of the ATP1A3 protein (p.Asn345Ile). This variant is not present in population databases (gnomAD no frequency). This variant has not been reported in the literature in individuals affected with ATP1A3-related conditions. Advanced modeling of protein sequence and biophysical properties (such as structural, functional, and spatial information, amino acid conservation, physicochemical variation, residue mobility, and thermodynamic stability) performed at Invitae indicates that this missense variant is expected to disrupt ATP1A3 protein function with a positive predictive value of 95%. In summary, the available evidence is currently insufficient to determine the role of this variant in disease. Therefore, it has been classified as a Variant of Uncertain Significance.

NM_152296.5(ATP1A3):c.1034A>T (p.Asn345Ile)

Gene: ATP1A3 (ATPase Na+/K+ transporting subunit alpha 3; minus strand). Cytogenetic location: 19q13.2.
Variant type: single nucleotide variant.
Coding change: c.1034A>T on transcript NM_152296.5 (MANE Select); coding-DNA position 1034, A replaced by T.
Protein change: p.Asn345Ile; replaces asparagine 345 with isoleucine.
Molecular consequence: missense variant.
Genome position (GRCh38, 1-based): chr19:41,982,066, T>A on the plus strand (A>T on the coding strand, the complement: ATP1A3 is on the minus strand). VCF-style: chr19-41982066-T-A. GRCh37 (hg19) VCF-style: chr19-42486218-T-A.
Other names: c.1067A>T, p.Asn356Ile (NM_001256213.2); c.1073A>T, p.Asn358Ile (NM_001256214.2); short protein forms N345I, N358I, N356I.
Identifiers: ClinVar variation 3636268 (VCV003636268.2).